The following is an entry in ClinVar:

ClinVar aggregate classification (germline): Uncertain significance. Review status: criteria provided, multiple submitters, no conflicts (2 of 4 stars). 2 submissions from 2 submitters: Uncertain significance (2). Last evaluated 2025-02-19.

Conditions:
Inborn genetic diseases. Identifiers: MedGen C0950123, MeSH D030342.

Allele frequency attached by ClinVar (database versions not stated): gnomAD 0.00001.
gnomAD v4.1: 15 of 1,613,998 alleles (0.00093%); highest among the groups gnomAD compares: Middle Eastern, 0.016%; no homozygotes.

Submissions (2):

Ambry Genetics
Classification: Uncertain significance for Inborn genetic diseases. Last evaluated: 2025-02-19. Review status: criteria provided, single submitter. Criteria: Ambry Variant Classification Scheme 2023. Collection method: clinical testing. Allele origin: germline.

Labcorp Genetics (formerly Invitae), Labcorp
Classification: Uncertain significance. Last evaluated: 2022-06-23. Review status: criteria provided, single submitter. Criteria: Invitae Variant Classification Sherloc (09022015). Collection method: clinical testing. Allele origin: germline.
Comment: This sequence change replaces arginine, which is basic and polar, with cysteine, which is neutral and slightly polar, at codon 451 of the TRAPPC9 protein (p.Arg451Cys). This variant is present in population databases (no rsID available, gnomAD 0.006%). This variant has not been reported in the literature in individuals affected with TRAPPC9-related conditions. Algorithms developed to predict the effect of missense changes on protein structure and function are either unavailable or do not agree on the potential impact of this missense change (SIFT: "Not Available"; PolyPhen-2: "Probably Damaging"; Align-GVGD: "Not Available"). In summary, the available evidence is currently insufficient to determine the role of this variant in disease. Therefore, it has been classified as a Variant of Uncertain Significance.

NM_001160372.4(TRAPPC9):c.1057C>T (p.Arg353Cys)

Gene: TRAPPC9 (trafficking protein particle complex subunit 9; minus strand). Cytogenetic location: 8q24.3.
Variant type: single nucleotide variant.
Coding change: c.1057C>T on transcript NM_001160372.4 (MANE Select); coding-DNA position 1057, C replaced by T.
Protein change: p.Arg353Cys; replaces arginine 353 with cysteine.
Molecular consequence: missense variant. On other transcripts: non-coding transcript variant (1).
Genome position (GRCh38, 1-based): chr8:140,397,697, G>A on the plus strand (C>T on the coding strand, the complement: TRAPPC9 is on the minus strand). VCF-style: chr8-140397697-G-A. GRCh37 (hg19) VCF-style: chr8-141407796-G-A.
Other names: c.1351C>T (NM_031466.5); c.1030C>T, p.Arg344Cys (NM_001321646.2); c.1078C>T, p.Arg360Cys (NM_001374682.1); c.1057C>T, p.Arg353Cys (NM_001374683.1, NM_001374684.1, NM_031466.8); short protein forms R344C, R353C, R360C.
Identifiers: ClinVar variation 1919797 (VCV001919797.3), dbSNP rs763206060, ClinGen allele CA372319560.
Genomic context (GRCh38, chr8:140,397,697, plus strand): 5'-AAACTGCATTCTGAAGAAATTCTGATGCTTCCATGCTCCGTTTCTGAATTGCAAGGACAC[G>A]TACAGCCTTGATGCACGCTTCCAACTCAATCACTCCCGCATTCTTATACTGCAGGGTGTA-3'
Protein context (NP_001153844.1, residues 343-363): IELEACIKAV[Arg353Cys]VLAIQKRSME